The following is an entry in ClinVar:

ClinVar aggregate classification (germline): Conflicting classifications of pathogenicity. Review status: criteria provided, conflicting classifications (1 of 4 stars). 10 submissions from 10 submitters: Uncertain significance (1); Benign (1); Likely benign (7). 1 of the submissions does not count toward it. Last evaluated 2026-02-03.

Conditions:
Cardiovascular phenotype. Identifiers: MedGen CN230736.
DMD-related disorder. Also called: DMD-related condition.
Duchenne muscular dystrophy (DMD). Also called: Duchenne Muscular Dystrophy (DMD); MUSCULAR DYSTROPHY, PSEUDOHYPERTROPHIC PROGRESSIVE, DUCHENNE TYPE. Identifiers: Orphanet 98896, MedGen C0013264, MONDO:0010679, OMIM 310200.

Allele frequency attached by ClinVar (database versions not stated): gnomAD exomes 0.00007 and 0.00018; ExAC 0.00021; 1000 Genomes Project 30x 0.00042; 1000 Genomes Project 0.00053; gnomAD 0.00063 and 0.00071; ESP Exome Variant Server 0.00076; TOPMed 0.00090.
gnomAD v4.1: 149 of 1,208,913 alleles (0.012%); highest among the groups gnomAD compares: African/African-American, 0.23%; no homozygotes.

Submissions (10):

Labcorp Genetics (formerly Invitae), Labcorp
Classification: Likely benign for Duchenne muscular dystrophy. Last evaluated: 2026-02-03. Review status: criteria provided, single submitter. Criteria: Invitae Variant Classification Sherloc (09022015). Collection method: clinical testing. Allele origin: germline.

Molecular Diagnostic Laboratory for Inherited Cardiovascular Disease, Montreal Heart Institute
Classification: Likely benign. Last evaluated: 2025-04-09. Review status: criteria provided, single submitter. Criteria: ACMG Guidelines, 2015. Collection method: clinical testing. Allele origin: germline. Affected: no.
Comment: BS1;BP1;BP6

Blueprint Genetics
Classification: Likely benign. Last evaluated: 2024-11-21. Review status: criteria provided, single submitter. Criteria: ACMG Guidelines, 2015. Collection method: clinical testing. Allele origin: germline.

ARUP Laboratories, Molecular Genetics and Genomics, ARUP Laboratories
Classification: Likely benign. Last evaluated: 2024-02-08. Review status: criteria provided, single submitter. Criteria: ARUP Molecular Germline Variant Investigation Process 2024. Collection method: clinical testing. Allele origin: germline.

Women's Health and Genetics/Laboratory Corporation of America, LabCorp
Classification: Likely benign. Last evaluated: 2023-03-06. Review status: criteria provided, single submitter. Criteria: LabCorp Variant Classification Summary - May 2015. Collection method: clinical testing. Allele origin: germline.

GeneDx
Classification: Benign. Last evaluated: 2021-05-17. Review status: criteria provided, single submitter. Criteria: GeneDx Variant Classification Process June 2021. Collection method: clinical testing. Allele origin: germline. Affected: yes.

Ambry Genetics
Classification: Likely benign for Cardiovascular phenotype. Last evaluated: 2019-03-26. Review status: criteria provided, single submitter. Criteria: Ambry Variant Classification Scheme 2023. Collection method: clinical testing. Allele origin: germline.

Laboratory for Molecular Medicine, Mass General Brigham Personalized Medicine
Classification: Uncertain significance. Last evaluated: 2017-05-22. Review status: criteria provided, single submitter. Criteria: LMM Criteria. Collection method: clinical testing. Allele origin: germline. Observed: 1 variant allele.
Comment: Variant classified as Uncertain Significance - Favor Benign. The p.Leu1365Phe va riant in DMD has not been previously reported in individuals with muscular dystr ophy, but has been identified in 0.19% (35/18082) of African chromosomes by the genome Aggregation Database (gnomAD; dbSNP rs 148781346). This variant has been reported in ClinVar (Variation ID: 94611). Ple ase note that for diseases with clinical variability, reduced penetrance, or rec essive inheritance, pathogenic variants may be present at a low frequency in the general population. Computational prediction tools and conservation analysis su ggest that the p.Leu1365Phe variant may impact the protein, though this informat ion is not predictive enough to determine pathogenicity. In summary, while the c linical significance of the p.Leu1365Phe variant is uncertain, its frequency sug gests that it is more likely to be benign.

Eurofins Ntd Llc (ga)
Classification: Likely benign. Last evaluated: 2016-01-13. Review status: criteria provided, single submitter. Criteria: EGL Classification Definitions 2015. Collection method: clinical testing. Allele origin: germline. Observed: 3 variant alleles, 1 heterozygote, 1 hemizygote.

PreventionGenetics, part of Exact Sciences
Classification: Likely benign for DMD-related condition. Last evaluated: 2020-10-30. Review status: no assertion criteria provided. Collection method: clinical testing. Allele origin: germline. Not counted in ClinVar's aggregate classification.
Comment: This variant is classified as likely benign based on ACMG/AMP sequence variant interpretation guidelines (Richards et al. 2015 PMID: 25741868, with internal and published modifications).

NM_004006.3(DMD):c.4093C>T (p.Leu1365Phe)

Gene: DMD (dystrophin; minus strand). Cytogenetic location: Xp21.1.
Variant type: single nucleotide variant.
Coding change: c.4093C>T on transcript NM_004006.3 (MANE Select); coding-DNA position 4093, C replaced by T.
Protein change: p.Leu1365Phe; replaces leucine 1365 with phenylalanine.
Molecular consequence: missense variant.
Genome position (GRCh38, 1-based): chrX:32,411,892, G>A on the plus strand (C>T on the coding strand, the complement: DMD is on the minus strand). VCF-style: chrX-32411892-G-A. GRCh37 (hg19) VCF-style: chrX-32430009-G-A.
Other names: p.L1365F:CTT>TTT; c.4069C>T, p.Leu1357Phe (NM_000109.4); c.4081C>T, p.Leu1361Phe (NM_004009.3); c.3724C>T, p.Leu1242Phe (NM_004010.3); c.70C>T, p.Leu24Phe (NM_004011.4); c.61C>T, p.Leu21Phe (NM_004012.4); short protein forms L1365F, L1242F, L21F, L1357F, L24F, L1361F.
Identifiers: ClinVar variation 94611 (VCV000094611.31), dbSNP rs148781346, ClinGen allele CA285566.
Genomic context (GRCh38, chrX:32,411,892, plus strand): 5'-ACTCCTGGATTAAGTGTAAGGATTTTTCAGTCTCCTGGGCAGACTGGATGCTCTGTTCAA[G>A]CAACTTTTGCCTCCTTACAGCCTAAAAAGAAGGAATAAGAGTGTATCAGTTAAATGTTTA-3'
Protein context (NP_003997.2, residues 1355-1375): HEEAVRRQKL[Leu1365Phe]EQSIQSAQET